The following is an entry in ClinVar:

NM_001371986.1(UNC80):c.4652A>G (p.Tyr1551Cys)

Gene: UNC80 (unc-80 subunit of NALCN channel complex; plus strand). Cytogenetic location: 2q34.
Variant type: single nucleotide variant.
Coding change: c.4652A>G on transcript NM_001371986.1 (MANE Select); coding-DNA position 4652, A replaced by G.
Protein change: p.Tyr1551Cys; replaces tyrosine 1551 with cysteine.
Molecular consequence: missense variant.
Genome position (GRCh38, 1-based): chr2:209,904,835, A>G. VCF-style: chr2-209904835-A-G. GRCh37 (hg19) VCF-style: chr2-210769559-A-G.
Other names: c.4454A>G, p.Tyr1485Cys (NM_032504.2); c.4439A>G, p.Tyr1480Cys (NM_182587.4); short protein forms Y1485C, Y1551C, Y1480C.
Identifiers: ClinVar variation 1389888 (VCV001389888.6), dbSNP rs770083418, ClinGen allele CA350755155.

ClinVar aggregate classification (germline): Uncertain significance (1 of 4 stars; one submission).

gnomAD v4.1: 1 of 1,551,822 alleles (0.000064%); highest among the groups gnomAD compares: East Asian, 0.0024%; no homozygotes.

Submission:

Labcorp Genetics (formerly Invitae), Labcorp
Classification: Uncertain significance. Last evaluated: 2021-12-02. Review status: criteria provided, single submitter. Criteria: Invitae Variant Classification Sherloc (09022015). Collection method: clinical testing. Allele origin: germline.
Comment: In summary, the available evidence is currently insufficient to determine the role of this variant in disease. Therefore, it has been classified as a Variant of Uncertain Significance. Algorithms developed to predict the effect of missense changes on protein structure and function output the following: SIFT: "Not Available"; PolyPhen-2: "Probably Damaging"; Align-GVGD: "Not Available". The cysteine amino acid residue is found in multiple mammalian species, which suggests that this missense change does not adversely affect protein function. This variant has not been reported in the literature in individuals affected with UNC80-related conditions. This variant is not present in population databases (gnomAD no frequency). This sequence change replaces tyrosine, which is neutral and polar, with cysteine, which is neutral and slightly polar, at codon 1485 of the UNC80 protein (p.Tyr1485Cys).